The following is an entry in ClinVar:

ClinVar aggregate classification (germline): Uncertain significance (1 of 4 stars; one submission).

Conditions:
Galloway-Mowat syndrome 2, X-linked. Identifiers: MedGen C4538784, MONDO:0033006, OMIM 301006.

Submission:

Henan Neurodevelopment Engineering Research Center for Children, Children's Hospital Affiliated to Zhengzhou University
Classification: Uncertain significance for Galloway-Mowat syndrome 2, X-linked. Last evaluated: 2025-03-13. Review status: criteria provided, single submitter. Criteria: ACMG Guidelines, 2015. Collection method: research. Allele origin: inherited. Inheritance: X-linked recessive inheritance. Affected: yes. Observed: 2 variant alleles.
Comment: The LAGE3 c.389T>G (NM_006014.5) variant results in the amino acid change p.Val130Gly, a missense variant. It has a frequency of less than 0.0005 (autosomal dominant/X-linked) or less than 0.001 (autosomal recessive) in normal population databases and is not reported in the HGMD and ClinVar databases. It is also absent in the 1000 Genomes Project and Genome Aggregation Database. Protein function prediction tools suggest pathogenicity (SIFT, Provean, and M-CAP) or benign (DEOGEN2, LIST_S2, MetaSVM, and PrimateAI). Additionally, this variant can present as a partial phenotype of X-linked Galloway-Mowat syndrome, such as proteinuria, nephrotic syndrome, and a high-arched palate. Although there is a correlation between this variant and the clinical phenotype, there is a lack of functional evidence. According to ACMG guidelines, this variant is preliminarily classified as uncertain significance.

NM_006014.5(LAGE3):c.389T>G (p.Val130Gly)

Gene: LAGE3 (L antigen family member 3; minus strand). Cytogenetic location: Xq28.
Variant type: single nucleotide variant.
Coding change: c.389T>G on transcript NM_006014.5 (MANE Select); coding-DNA position 389, T replaced by G.
Protein change: p.Val130Gly; replaces valine 130 with glycine.
Molecular consequence: missense variant.
Genome position (GRCh38, 1-based): chrX:154,477,987, A>C on the plus strand (T>G on the coding strand, the complement: LAGE3 is on the minus strand). VCF-style: chrX-154477987-A-C. GRCh37 (hg19) VCF-style: chrX-153706326-A-C.
Other names: short protein forms V130G.
Identifiers: ClinVar variation 3899940 (VCV003899940.1).
Genomic context (GRCh38, chrX:154,477,987, plus strand): 5'-ATTTGCCCAGGCCAGGCTTAGCGGGAAACGGGGGGCCCAAAGCGCTGCATGGTCCGCACC[A>C]CCAGGGAAAGCTGGTCAAGAAAGTTGATGACGGAAATTCGGAGCAGGCGACAGTCTTCAG-3'
Protein context (NP_006005.2, residues 120-140): VINFLDQLSL[Val130Gly]VRTMQRFGPP